The following is an entry in ClinVar:

ClinVar aggregate classification (germline): Uncertain significance. Review status: criteria provided, multiple submitters, no conflicts (2 of 4 stars). 3 submissions from 3 submitters: Uncertain significance (2). 1 of the submissions does not count toward it. Last evaluated 2025-11-05.

Conditions:
Retinal dystrophy. Also called: Inherited retinal dystrophy. Identifiers: Orphanet 71862, MedGen C0854723, MeSH D058499, MONDO:0019118, HP:0000556.

Allele frequency attached by ClinVar (database versions not stated): gnomAD exomes 0.00005 and 0.00008; ExAC 0.00022; gnomAD 0.00028 and 0.00032; ESP Exome Variant Server 0.00032; TOPMed 0.00036.
gnomAD v4.1: 114 of 1,597,028 alleles (0.0071%); highest among the groups gnomAD compares: African/African-American, 0.087%; no homozygotes.

Submissions (3):

Labcorp Genetics (formerly Invitae), Labcorp
Classification: Uncertain significance. Last evaluated: 2025-11-05. Review status: criteria provided, single submitter. Criteria: Invitae Variant Classification Sherloc (09022015). Collection method: clinical testing. Allele origin: germline.
Comment: This sequence change replaces threonine, which is neutral and polar, with methionine, which is neutral and non-polar, at codon 521 of the CACNA2D4 protein (p.Thr521Met). This variant is present in population databases (rs376351407, gnomAD 0.09%), and has an allele count higher than expected for a pathogenic variant. This variant has not been reported in the literature in individuals affected with CACNA2D4-related conditions. ClinVar contains an entry for this variant (Variation ID: 959075). An algorithm developed to predict the effect of missense changes on protein structure and function (PolyPhen-2) suggests that this variant is likely to be disruptive. In summary, the available evidence is currently insufficient to determine the role of this variant in disease. Therefore, it has been classified as a Variant of Uncertain Significance.

Blueprint Genetics
Classification: Uncertain significance. Last evaluated: 2022-11-21. Review status: criteria provided, single submitter. Criteria: ACMG Guidelines, 2015. Collection method: clinical testing. Allele origin: germline.

Institute of Human Genetics, Univ. Regensburg, Univ. Regensburg
Classification: Uncertain significance for Retinal dystrophy. Last evaluated: 2022-01-01. Review status: no assertion criteria provided. Criteria: ACMG Guidelines, 2015. Collection method: clinical testing. Allele origin: germline. Affected: yes. Not counted in ClinVar's aggregate classification.

NM_172364.5(CACNA2D4):c.1562C>T (p.Thr521Met)

Gene: CACNA2D4 (calcium voltage-gated channel auxiliary subunit alpha2delta 4; minus strand). Cytogenetic location: 12p13.33.
Variant type: single nucleotide variant.
Coding change: c.1562C>T on transcript NM_172364.5 (MANE Select); coding-DNA position 1562, C replaced by T.
Protein change: p.Thr521Met; replaces threonine 521 with methionine.
Molecular consequence: missense variant.
Genome position (GRCh38, 1-based): chr12:1,879,805, G>A on the plus strand (C>T on the coding strand, the complement: CACNA2D4 is on the minus strand). VCF-style: chr12-1879805-G-A. GRCh37 (hg19) VCF-style: chr12-1988971-G-A.
Other names: short protein forms T521M.
Identifiers: ClinVar variation 959075 (VCV000959075.9), dbSNP rs376351407, ClinGen allele CA6387093.